The following is an entry in ClinVar:

ClinVar aggregate classification (germline): Uncertain significance. Review status: criteria provided, multiple submitters, no conflicts (2 of 4 stars). 2 submissions from 2 submitters: Uncertain significance (2). Last evaluated 2025-12-16.

Conditions:
Cardiovascular phenotype. Identifiers: MedGen CN230736.

Allele frequency attached by ClinVar (database versions not stated): gnomAD exomes below 0.00001; ExAC 0.00002; gnomAD 0.00002; TOPMed 0.00002.
gnomAD v4.1: 5 of 1,612,174 alleles (0.00031%); highest among the groups gnomAD compares: Non-Finnish European, 0.00034%; no homozygotes.

Submissions (2):

Ambry Genetics
Classification: Uncertain significance for Cardiovascular phenotype. Last evaluated: 2025-12-16. Review status: criteria provided, single submitter. Criteria: Ambry Variant Classification Scheme 2023. Collection method: clinical testing. Allele origin: germline.
Comment: The p.L1644V variant (also known as c.4930C>G), located in coding exon 12 of the TNXB gene, results from a C to G substitution at nucleotide position 4930. The leucine at codon 1644 is replaced by valine, an amino acid with highly similar properties. This amino acid position is conserved. In addition, this alteration is predicted to be tolerated by in silico analysis. Based on the available evidence, the clinical significance of this variant remains unclear.

CeGaT Center for Human Genetics Tuebingen
Classification: Uncertain significance. Last evaluated: 2024-01-01. Review status: criteria provided, single submitter. Criteria: CeGaT Center For Human Genetics Tuebingen Variant Classification Criteria Version 2. Collection method: clinical testing. Allele origin: germline. Affected: yes. Observed: 2 variant alleles.
Comment: TNXB: PM2, BP4

NM_001365276.2(TNXB):c.4930C>G (p.Leu1644Val)

Gene: TNXB (tenascin XB; minus strand). Cytogenetic location: 6p21.33.
Variant type: single nucleotide variant.
Coding change: c.4930C>G on transcript NM_001365276.2 (MANE Select); coding-DNA position 4930, C replaced by G.
Protein change: p.Leu1644Val; replaces leucine 1644 with valine.
Molecular consequence: missense variant.
Genome position (GRCh38, 1-based): chr6:32,072,050, G>C on the plus strand (C>G on the coding strand, the complement: TNXB is on the minus strand). VCF-style: chr6-32072050-G-C. GRCh37 (hg19) VCF-style: chr6-32039827-G-C.
Other names: c.4930C>G, p.Leu1644Val (NM_019105.8); c.4930C>G (NM_019105.6); short protein forms L1644V.
Identifiers: ClinVar variation 809902 (VCV000809902.42), dbSNP rs762859726, ClinGen allele CA3734852.